The following is an entry in ClinVar:

NM_001376.5(DYNC1H1):c.3174G>C (p.Gln1058His)

Gene: DYNC1H1 (dynein cytoplasmic 1 heavy chain 1; plus strand). Cytogenetic location: 14q32.31.
Variant type: single nucleotide variant.
Coding change: c.3174G>C on transcript NM_001376.5 (MANE Select); coding-DNA position 3174, G replaced by C.
Protein change: p.Gln1058His; replaces glutamine 1058 with histidine.
Molecular consequence: missense variant.
Genome position (GRCh38, 1-based): chr14:101,994,690, G>C. VCF-style: chr14-101994690-G-C. GRCh37 (hg19) VCF-style: chr14-102461027-G-C.
Other names: short protein forms Q1058H.
Identifiers: ClinVar variation 2631523 (VCV002631523.1), dbSNP rs2503714640, ClinGen allele CA391032788.

ClinVar aggregate classification (germline): Likely pathogenic (1 of 4 stars; one submission).

Conditions:
DYNC1H1-related disorder. Also called: DYNC1H1-related condition; DYNC1H1-related disorders. Identifiers: MedGen CN381529.

Submission:

PreventionGenetics, part of Exact Sciences
Classification: Likely pathogenic for DYNC1H1-related condition. Last evaluated: 2023-09-06. Review status: criteria provided, single submitter. Criteria: ACMG Guidelines, 2015. Collection method: clinical testing. Allele origin: germline.
Comment: The DYNC1H1 c.3174G>C variant is predicted to result in the amino acid substitution p.Gln1058His. To our knowledge, this variant has not been reported in the literature or in a large population database, indicating this variant is rare. De novo variants are expected to be pathogenic as many other de novo missense variants in DYNC1H1 have been reported to be pathogenic for DYNC1H1-related disorders (Human Gene Mutation Database). This variant is interpreted as likely pathogenic.